The following is an entry in ClinVar:

ClinVar aggregate classification (germline): Uncertain significance (1 of 4 stars; one submission).

Conditions:
Hereditary cancer-predisposing syndrome. Also called: Neoplastic Syndromes, Hereditary; Tumor predisposition; Hereditary neoplastic syndrome; Hereditary Cancer Syndrome. Identifiers: Orphanet 140162, MedGen C0027672, MeSH D009386, MONDO:0015356.

Submission:

Ambry Genetics
Classification: Uncertain significance for Hereditary cancer-predisposing syndrome. Last evaluated: 2026-09-05. Review status: criteria provided, single submitter. Criteria: Ambry Variant Classification Scheme 2023. Collection method: clinical testing. Allele origin: germline.
Comment: The p.N450I variant (also known as c.1349A>T), located in coding exon 5 of the BARD1 gene, results from an A to T substitution at nucleotide position 1349. The asparagine at codon 450 is replaced by isoleucine, an amino acid with dissimilar properties. This amino acid position is conserved. In addition, this alteration is predicted to be tolerated by in silico analysis. Based on the available evidence, the clinical significance of this variant remains unclear.

NM_000465.4(BARD1):c.1349A>T (p.Asn450Ile)

Gene: BARD1 (BRCA1 associated RING domain 1; minus strand). Cytogenetic location: 2q35.
Variant type: single nucleotide variant.
Coding change: c.1349A>T on transcript NM_000465.4 (MANE Select); coding-DNA position 1349, A replaced by T.
Protein change: p.Asn450Ile; replaces asparagine 450 with isoleucine.
Molecular consequence: missense variant. On other transcripts: non-coding transcript variant (3), intron variant (3).
Genome position (GRCh38, 1-based): chr2:214,769,278, T>A on the plus strand (A>T on the coding strand, the complement: BARD1 is on the minus strand). VCF-style: chr2-214769278-T-A. GRCh37 (hg19) VCF-style: chr2-215634002-T-A.
Other names: c.1292A>T, p.Asn431Ile (NM_001282543.2); c.159-16723A>T (NM_001282548.2); c.216-16723A>T (NM_001282545.2); c.364+23019A>T (NM_001282549.2); short protein forms N450I, N431I.
Identifiers: ClinVar variation 5032819 (VCV005032819.1).